The following is an entry in ClinVar:

ClinVar aggregate classification (germline): Likely benign (0 of 4 stars; one submission).

Conditions:
AFF4-related disorder. Also called: AFF4-related condition.

gnomAD v4.1: 8 of 1,556,764 alleles (0.00051%); highest among the groups gnomAD compares: Admixed American, 0.0037%; no homozygotes.

Submission:

PreventionGenetics, part of Exact Sciences
Classification: Likely benign for AFF4-related condition. Last evaluated: 2021-12-29. Review status: no assertion criteria provided. Collection method: clinical testing. Allele origin: germline.
Comment: This variant is classified as likely benign based on ACMG/AMP sequence variant interpretation guidelines (Richards et al. 2015 PMID: 25741868, with internal and published modifications).

NM_014423.4(AFF4):c.963+10T>A

Gene: AFF4 (ALF transcription elongation factor 4; minus strand). Cytogenetic location: 5q31.1.
Variant type: single nucleotide variant.
Coding change: c.963+10T>A on transcript NM_014423.4 (MANE Select); 10 bases into the intron after coding-DNA position 963, T replaced by A.
Molecular consequence: intron variant.
Genome position (GRCh38, 1-based): chr5:132,932,168, A>T on the plus strand (T>A on the coding strand, the complement: AFF4 is on the minus strand). VCF-style: chr5-132932168-A-T. GRCh37 (hg19) VCF-style: chr5-132267860-A-T.
Identifiers: ClinVar variation 3057824 (VCV003057824.2), dbSNP rs200434302, ClinGen allele CA127294386.
Genomic context (GRCh38, chr5:132,932,168, plus strand): 5'-AAAGAGGGTAAGAAGGTGGCAGAGCATAAAAAATTAAAGAAATTGAAATGATTTTTTTTA[A>T]AAAACTTACTTTTAGGATTTCATCCACACAGCTCACATCACCAGAAGCTGATGCCTTGAA-3'